The following is an entry in ClinVar:

ClinVar aggregate classification (germline): Conflicting classifications of pathogenicity. Review status: criteria provided, conflicting classifications (1 of 4 stars). 3 submissions from 3 submitters: Uncertain significance (2); Likely benign (1). Last evaluated 2025-12-04.

Conditions:
Intellectual developmental disorder, X-linked, syndromic, Turner type. Also called: X-linked intellectual disability, Turner type; Intellectual disability, X-linked syndromic, Turner type. Identifiers: Orphanet 3056, Orphanet 85328, MedGen C2678046, MONDO:0010407, OMIM 309590.
HUWE1-related disorder. Also called: HUWE1-related condition.

Allele frequency attached by ClinVar (database versions not stated): gnomAD exomes 0.00002 and 0.00004; ExAC 0.00001; gnomAD 0.00003; TOPMed 0.00008.
gnomAD v4.1: 19 of 1,205,272 alleles (0.0016%); highest among the groups gnomAD compares: Admixed American, 0.031%; no homozygotes.

Submissions (3):

PreventionGenetics, part of Exact Sciences
Classification: Likely benign for HUWE1-related condition. Last evaluated: 2025-12-04. Review status: criteria provided, single submitter. Criteria: ACMG Guidelines, 2015. Collection method: clinical testing. Allele origin: germline.
Comment: This variant is classified as likely benign based on ACMG/AMP sequence variant interpretation guidelines (Richards et al. 2015 PMID: 25741868, with internal and published modifications).

Labcorp Genetics (formerly Invitae), Labcorp
Classification: Uncertain significance. Last evaluated: 2025-07-30. Review status: criteria provided, single submitter. Criteria: Invitae Variant Classification Sherloc (09022015). Collection method: clinical testing. Allele origin: germline.
Comment: This sequence change replaces arginine, which is basic and polar, with cysteine, which is neutral and slightly polar, at codon 3904 of the HUWE1 protein (p.Arg3904Cys). The frequency data for this variant in the population databases is considered unreliable, as metrics indicate poor data quality at this position in the gnomAD database. This variant has not been reported in the literature in individuals affected with HUWE1-related conditions. ClinVar contains an entry for this variant (Variation ID: 1341874). Invitae Evidence Modeling of protein sequence and biophysical properties (such as structural, functional, and spatial information, amino acid conservation, physicochemical variation, residue mobility, and thermodynamic stability) indicates that this missense variant is expected to disrupt HUWE1 protein function with a positive predictive value of 95%. In summary, the available evidence is currently insufficient to determine the role of this variant in disease. Therefore, it has been classified as a Variant of Uncertain Significance.

New York Genome Center
Classification: Uncertain significance for Intellectual developmental disorder, X-linked, syndromic, Turner type. Last evaluated: 2021-02-23. Review status: criteria provided, single submitter. Criteria: NYGC Assertion Criteria 2020. Collection method: clinical testing. Allele origin: inherited. Observed: 1 heterozygote. Study: CSER-NYCKidSeq.

NM_031407.7(HUWE1):c.11710C>T (p.Arg3904Cys)

Gene: HUWE1 (HECT, UBA and WWE domain containing E3 ubiquitin protein ligase 1; minus strand). Cytogenetic location: Xp11.22.
Variant type: single nucleotide variant.
Coding change: c.11710C>T on transcript NM_031407.7 (MANE Select); coding-DNA position 11710, C replaced by T.
Protein change: p.Arg3904Cys; replaces arginine 3904 with cysteine.
Molecular consequence: missense variant.
Genome position (GRCh38, 1-based): chrX:53,539,003, G>A on the plus strand (C>T on the coding strand, the complement: HUWE1 is on the minus strand). VCF-style: chrX-53539003-G-A. GRCh37 (hg19) VCF-style: chrX-53565964-G-A.
Other names: c.11710C>T (NM_031407.6); short protein forms R3904C.
Identifiers: ClinVar variation 1341874 (VCV001341874.5), dbSNP rs782376870, ClinGen allele CA10421333.